The following is an entry in ClinVar:

ClinVar aggregate classification (germline): Uncertain significance (1 of 4 stars; one submission).

Submission:

Labcorp Genetics (formerly Invitae), Labcorp
Classification: Uncertain significance. Last evaluated: 2024-02-15. Review status: criteria provided, single submitter. Criteria: Invitae Variant Classification Sherloc (09022015). Collection method: clinical testing. Allele origin: germline.
Comment: This sequence change replaces glutamic acid, which is acidic and polar, with glycine, which is neutral and non-polar, at codon 565 of the PPP2R5D protein (p.Glu565Gly). This variant is not present in population databases (gnomAD no frequency). This variant has not been reported in the literature in individuals affected with PPP2R5D-related conditions. An algorithm developed to predict the effect of missense changes on protein structure and function (PolyPhen-2) suggests that this variant is likely to be tolerated. In summary, the available evidence is currently insufficient to determine the role of this variant in disease. Therefore, it has been classified as a Variant of Uncertain Significance.

NM_006245.4(PPP2R5D):c.1694A>G (p.Glu565Gly)

Genes: MEA1 (male-enhanced antigen 1; minus strand), PPP2R5D (protein phosphatase 2 regulatory subunit B'delta; plus strand). Cytogenetic location: 6p21.1.
Variant type: single nucleotide variant.
Coding change: c.1694A>G on transcript NM_006245.4 (MANE Select); coding-DNA position 1694, A replaced by G.
Protein change: p.Glu565Gly; replaces glutamic acid 565 with glycine.
Molecular consequence: missense variant. On other transcripts: 3 prime UTR variant (1).
Genome position (GRCh38, 1-based): chr6:43,011,171, A>G. VCF-style: chr6-43011171-A-G. GRCh37 (hg19) VCF-style: chr6-42978909-A-G.
Other names: c.*1299T>C (NM_014623.4); c.1241A>G, p.Glu414Gly (NM_001270476.2); c.1598A>G, p.Glu533Gly (NM_180976.3); c.1376A>G, p.Glu459Gly (NM_180977.3); short protein forms E414G, E459G, E533G, E565G.
Identifiers: ClinVar variation 3621722 (VCV003621722.2).